The following is an entry in ClinVar:

ClinVar aggregate classification (germline): Uncertain significance (1 of 4 stars; one submission).

Conditions:
AKR1D1-related disorder. Also called: AKR1D1-related condition.

gnomAD v4.1: 6 of 1,613,444 alleles (0.00037%); highest among the groups gnomAD compares: Non-Finnish European, 0.00051%; no homozygotes.

Submission:

PreventionGenetics, part of Exact Sciences
Classification: Uncertain significance for AKR1D1-related condition. Last evaluated: 2025-01-07. Review status: criteria provided, single submitter. Criteria: ACMG Guidelines, 2015. Collection method: clinical testing. Allele origin: germline.
Comment: The AKR1D1 c.200C>A variant is predicted to result in the amino acid substitution p.Ala67Asp. To our knowledge, this variant has not been reported in the literature. This variant is reported in 0.00089% of alleles in individuals of European (Non-Finnish) descent in gnomAD. At this time, the clinical significance of this variant is uncertain due to the absence of conclusive functional and genetic evidence.

NM_005989.4(AKR1D1):c.200C>A (p.Ala67Asp)

Gene: AKR1D1 (aldo-keto reductase family 1 member D1; plus strand). Cytogenetic location: 7q33.
Variant type: single nucleotide variant.
Coding change: c.200C>A on transcript NM_005989.4 (MANE Select); coding-DNA position 200, C replaced by A.
Protein change: p.Ala67Asp; replaces alanine 67 with aspartic acid.
Molecular consequence: missense variant.
Genome position (GRCh38, 1-based): chr7:138,088,707, C>A. VCF-style: chr7-138088707-C-A. GRCh37 (hg19) VCF-style: chr7-137773453-C-A.
Other names: c.200C>A, p.Ala67Asp (NM_001190906.2, NM_001190907.2); short protein forms A67D.
Identifiers: ClinVar variation 4979312 (VCV004979312.1).